The following is an entry in ClinVar:

ClinVar aggregate classification (germline): Uncertain significance. Review status: criteria provided, multiple submitters, no conflicts (2 of 4 stars). 6 submissions from 5 submitters: Uncertain significance (6). Last evaluated 2025-04-17.

Conditions:
Retinitis pigmentosa 39 (RP39). Identifiers: Orphanet 791, MedGen C3151138, MONDO:0013436, OMIM 613809.
Usher syndrome type 2A. Also called: RETINAL DISEASE IN USHER SYNDROME TYPE IIA, MODIFIER OF; USHER SYNDROME, TYPE IIA. Identifiers: Orphanet 231178, Orphanet 886, MedGen C1848634, MONDO:0010169, OMIM 276901.
Inborn genetic diseases. Identifiers: MedGen C0950123, MeSH D030342.

Allele frequency attached by ClinVar (database versions not stated): gnomAD 0.00003 and 0.00004; gnomAD exomes below 0.00001; ExAC 0.00001; TOPMed 0.00002.
gnomAD v4.1: 7 of 1,613,716 alleles (0.00043%); highest among the groups gnomAD compares: African/African-American, 0.0093%; no homozygotes.

Submissions (6):

Labcorp Genetics (formerly Invitae), Labcorp
Classification: Uncertain significance. Last evaluated: 2025-04-17. Review status: criteria provided, single submitter. Criteria: Invitae Variant Classification Sherloc (09022015). Collection method: clinical testing. Allele origin: germline.
Comment: This sequence change replaces isoleucine, which is neutral and non-polar, with valine, which is neutral and non-polar, at codon 5115 of the USH2A protein (p.Ile5115Val). This variant is present in population databases (rs753175395, gnomAD 0.008%). This missense change has been observed in individual(s) with clinical features of USH2A-related conditions (internal data). ClinVar contains an entry for this variant (Variation ID: 1017509). Invitae Evidence Modeling of protein sequence and biophysical properties (such as structural, functional, and spatial information, amino acid conservation, physicochemical variation, residue mobility, and thermodynamic stability) indicates that this missense variant is not expected to disrupt USH2A protein function with a negative predictive value of 95%. In summary, the available evidence is currently insufficient to determine the role of this variant in disease. Therefore, it has been classified as a Variant of Uncertain Significance.

Genome-Nilou Lab
Classification: Uncertain significance for Retinitis pigmentosa 39. Last evaluated: 2023-11-04. Review status: criteria provided, single submitter. Criteria: ACMG Guidelines, 2015. Collection method: clinical testing. Allele origin: germline. Affected: no.

Genome-Nilou Lab
Classification: Uncertain significance for Usher syndrome type 2A. Last evaluated: 2023-11-04. Review status: criteria provided, single submitter. Criteria: ACMG Guidelines, 2015. Collection method: clinical testing. Allele origin: germline. Affected: no.

GeneDx
Classification: Uncertain significance. Last evaluated: 2023-09-17. Review status: criteria provided, single submitter. Criteria: GeneDx Variant Classification Process June 2021. Collection method: clinical testing. Allele origin: germline. Affected: yes.
Comment: In silico analysis supports that this missense variant does not alter protein structure/function; Has not been previously published as pathogenic or benign to our knowledge

Blueprint Genetics
Classification: Uncertain significance. Last evaluated: 2022-09-20. Review status: criteria provided, single submitter. Criteria: ACMG Guidelines, 2015. Collection method: clinical testing. Allele origin: germline.

Ambry Genetics
Classification: Uncertain significance for Inborn genetic diseases. Last evaluated: 2021-10-12. Review status: criteria provided, single submitter. Criteria: Ambry Variant Classification Scheme 2023. Collection method: clinical testing. Allele origin: germline.

NM_206933.4(USH2A):c.15343A>G (p.Ile5115Val)

Gene: USH2A (usherin; minus strand). Cytogenetic location: 1q41.
Variant type: single nucleotide variant.
Coding change: c.15343A>G on transcript NM_206933.4 (MANE Select); coding-DNA position 15343, A replaced by G.
Protein change: p.Ile5115Val; replaces isoleucine 5115 with valine.
Molecular consequence: missense variant.
Genome position (GRCh38, 1-based): chr1:215,628,990, T>C on the plus strand (A>G on the coding strand, the complement: USH2A is on the minus strand). VCF-style: chr1-215628990-T-C. GRCh37 (hg19) VCF-style: chr1-215802332-T-C.
Other names: c.15343A>G (NM_206933.2); short protein forms I5115V.
Identifiers: ClinVar variation 1017509 (VCV001017509.12), dbSNP rs753175395, ClinGen allele CA1392703.